The following is an entry in ClinVar:

NC_000006.11:g.(?_107069280)_(107069388_?)del

Gene: RTN4IP1 (reticulon 4 interacting protein 1; minus strand). Cytogenetic location: 6q21.
Variant type: Deletion.
Identifiers: ClinVar variation 2427060 (VCV002427060.4).

ClinVar aggregate classification (germline): Uncertain significance (1 of 4 stars; one submission).

Submission:

Labcorp Genetics (formerly Invitae), Labcorp
Classification: Uncertain significance. Last evaluated: 2022-07-21. Review status: criteria provided, single submitter. Criteria: Invitae Variant Classification Sherloc (09022015). Collection method: clinical testing. Allele origin: germline.
Comment: In summary, the available evidence is currently insufficient to determine the role of this variant in disease. Therefore, it has been classified as a Variant of Uncertain Significance. Experimental studies and prediction algorithms are not available or were not evaluated, and the functional significance of this variant is currently unknown. This variant has not been reported in the literature in individuals affected with RTN4IP1-related conditions. This variant is a gross deletion of the genomic region encompassing exon(s) 3 of the RTN4IP1 gene. This variant would be expected to be in-frame, preserving the integrity of the reading frame.